The following is an entry in ClinVar:

NM_003413.4(ZIC3):c.1216C>T (p.His406Tyr)

Gene: ZIC3 (Zic family zinc finger 3; plus strand). Cytogenetic location: Xq26.3.
Variant type: single nucleotide variant.
Coding change: c.1216C>T on transcript NM_003413.4 (MANE Select); coding-DNA position 1216, C replaced by T.
Protein change: p.His406Tyr; replaces histidine 406 with tyrosine.
Molecular consequence: missense variant.
Genome position (GRCh38, 1-based): chrX:137,569,057, C>T. VCF-style: chrX-137569057-C-T. GRCh37 (hg19) VCF-style: chrX-136651216-C-T.
Other names: c.1216C>T, p.His406Tyr (NM_001330661.1); short protein forms H406Y.
Identifiers: ClinVar variation 2661528 (VCV002661528.24), dbSNP rs2521155163, ClinGen allele CA414771717.
Genomic context (GRCh38, chrX:137,569,057, plus strand): 5'-AAGCCCTATATCTGCAAAGTGTGCGACAAGTCCTACACGCACCCGAGCTCCCTGCGCAAA[C>T]ACATGAAGGTAATTACCTCTTTATTAGCGGTCGGCGGTTTGTAAACACTCGGCCCGACGC-3'
Protein context (NP_003404.1, residues 396-416): SYTHPSSLRK[His406Tyr]MKVHESQGSD

ClinVar aggregate classification (germline): Uncertain significance (1 of 4 stars; one submission).

Submission:

CeGaT Center for Human Genetics Tuebingen
Classification: Uncertain significance. Last evaluated: 2023-03-01. Review status: criteria provided, single submitter. Criteria: CeGaT Center For Human Genetics Tuebingen Variant Classification Criteria Version 2. Collection method: clinical testing. Allele origin: germline. Affected: yes. Observed: 1 variant allele.
Comment: ZIC3: PM2, PP2, PP3